The following is an entry in ClinVar:

NC_000012.11:g.(?_56396006)_(56396524_?)del

Gene: SUOX (sulfite oxidase; plus strand). Cytogenetic location: 12q13.2.
Variant type: Deletion.
Identifiers: ClinVar variation 2423120 (VCV002423120.5).

ClinVar aggregate classification (germline): Pathogenic (1 of 4 stars; one submission).

Conditions:
Sulfite oxidase deficiency. Also called: Isolated sulfite oxidase deficiency. Identifiers: Orphanet 833, Orphanet 99731, MedGen C0268624, MONDO:0010089, OMIM 272300, HP:0003643.

Submission:

Labcorp Genetics (formerly Invitae), Labcorp
Classification: Pathogenic for Sulfite oxidase deficiency. Last evaluated: 2022-08-14. Review status: criteria provided, single submitter. Criteria: Invitae Variant Classification Sherloc (09022015). Collection method: clinical testing. Allele origin: germline.
Comment: For these reasons, this variant has been classified as Pathogenic. This variant has not been reported in the literature in individuals affected with SUOX-related conditions. This variant is a gross deletion of the genomic region encompassing exon(s) 4-5 of the SUOX gene, which includes the initiator codon. This deletion extends beyond the assayed region for this gene and therefore may encompass additional genes. It is expected to result in an absent or disrupted protein product. Loss-of-function variants in SUOX are known to be pathogenic (PMID: 1212661, 9600976, 15952210).

Literature cited by the submitters: PubMed 1212661; PubMed 9600976; PubMed 15952210.